The following is an entry in ClinVar:

ClinVar aggregate classification (germline): Uncertain significance (1 of 4 stars; one submission).

Submission:

Labcorp Genetics (formerly Invitae), Labcorp
Classification: Uncertain significance. Last evaluated: 2025-06-01. Review status: criteria provided, single submitter. Criteria: Invitae Variant Classification Sherloc (09022015). Collection method: clinical testing. Allele origin: germline.
Comment: This sequence change replaces lysine, which is basic and polar, with glutamic acid, which is acidic and polar, at codon 503 of the ROBO1 protein (p.Lys503Glu). This variant is present in population databases (rs776763518, gnomAD 0.02%). This variant has not been reported in the literature in individuals affected with ROBO1-related conditions. Invitae Evidence Modeling of protein sequence and biophysical properties (such as structural, functional, and spatial information, amino acid conservation, physicochemical variation, residue mobility, and thermodynamic stability) indicates that this missense variant is not expected to disrupt ROBO1 protein function with a negative predictive value of 95%. In summary, the available evidence is currently insufficient to determine the role of this variant in disease. Therefore, it has been classified as a Variant of Uncertain Significance.

NM_002941.4(ROBO1):c.1507A>G (p.Lys503Glu)

Gene: ROBO1 (roundabout guidance receptor 1; minus strand). Cytogenetic location: 3p12.3.
Variant type: single nucleotide variant.
Coding change: c.1507A>G on transcript NM_002941.4 (MANE Select); coding-DNA position 1507, A replaced by G.
Protein change: p.Lys503Glu; replaces lysine 503 with glutamic acid.
Molecular consequence: missense variant.
Genome position (GRCh38, 1-based): chr3:78,670,137, T>C on the plus strand (A>G on the coding strand, the complement: ROBO1 is on the minus strand). VCF-style: chr3-78670137-T-C. GRCh37 (hg19) VCF-style: chr3-78719287-T-C.
Other names: c.1399A>G, p.Lys467Glu (NM_001145845.2, NM_133631.4); short protein forms K467E, K503E.
Identifiers: ClinVar variation 4704353 (VCV004704353.1).